The following is an entry in ClinVar:

NM_002838.5(PTPRC):c.3578A>C (p.Glu1193Ala)

Gene: PTPRC (protein tyrosine phosphatase receptor type C; plus strand). Cytogenetic location: 1q32.1.
Variant type: single nucleotide variant.
Coding change: c.3578A>C on transcript NM_002838.5 (MANE Select); coding-DNA position 3578, A replaced by C.
Protein change: p.Glu1193Ala; replaces glutamic acid 1193 with alanine.
Molecular consequence: missense variant.
Genome position (GRCh38, 1-based): chr1:198,754,337, A>C. VCF-style: chr1-198754337-A-C. GRCh37 (hg19) VCF-style: chr1-198723466-A-C.
Other names: c.3572A>C (NM_002838.3); c.3095A>C, p.Glu1032Ala (NM_080921.4); short protein forms E1193A, E1032A.
Identifiers: ClinVar variation 837108 (VCV000837108.10), dbSNP rs113148246, ClinGen allele CA1315492.
Genomic context (GRCh38, chr1:198,754,337, plus strand): 5'-CTCAGCAAACGGGAATATTTTGTGCTTTGTTAAATCTCTTAGAAAGTGCGGAAACAGAAG[A>C]GGTAGTGGATATTTTTCAAGTGGTAAAAGCTCTACGCAAAGCTAGGCCAGGCATGGTTTC-3'
Protein context (NP_002829.3, residues 1183-1203): LNLLESAETE[Glu1193Ala]VVDIFQVVKA

ClinVar aggregate classification (germline): Uncertain significance. Review status: criteria provided, multiple submitters, no conflicts (2 of 4 stars). 4 submissions from 4 submitters: Uncertain significance (4). Last evaluated 2024-12-16.

Conditions:
Immunodeficiency 104. Also called: Severe combined immunodeficiency, autosomal recessive, T cell-negative, B cell-positive, NK cell-positive; SCID, AUTOSOMAL RECESSIVE, T CELL-NEGATIVE, B CELL-POSITIVE, NK CELL-POSITIVE; Severe Combined Immune Deficiency, Autosomal Recessive, TCell -Negative, B Cell-Positive, NK Cell-Positive, IL7R-Related; IMMUNODEFICIENCY 104, SEVERE COMBINED. Identifiers: MedGen C5676890, MONDO:0012163, OMIM 608971.
Inborn genetic diseases. Identifiers: MedGen C0950123, MeSH D030342.

Allele frequency attached by ClinVar (database versions not stated): gnomAD exomes 0.00010; ExAC 0.00014; 1000 Genomes Project 30x 0.00031; gnomAD 0.00031; TOPMed 0.00039; 1000 Genomes Project 0.00040; ESP Exome Variant Server 0.00069.
gnomAD v4.1: 106 of 1,613,214 alleles (0.0066%); highest among the groups gnomAD compares: African/African-American, 0.12%; 1 homozygote.

Submissions (4):

Labcorp Genetics (formerly Invitae), Labcorp
Classification: Uncertain significance for Immunodeficiency 104. Last evaluated: 2024-12-16. Review status: criteria provided, single submitter. Criteria: Invitae Variant Classification Sherloc (09022015). Collection method: clinical testing. Allele origin: germline.
Comment: This sequence change replaces glutamic acid, which is acidic and polar, with alanine, which is neutral and non-polar, at codon 1193 of the PTPRC protein (p.Glu1193Ala). This variant is present in population databases (rs113148246, gnomAD 0.1%). This variant has not been reported in the literature in individuals affected with PTPRC-related conditions. ClinVar contains an entry for this variant (Variation ID: 837108). An algorithm developed to predict the effect of missense changes on protein structure and function (PolyPhen-2) suggests that this variant¬†is likely to be tolerated. In summary, the available evidence is currently insufficient to determine the role of this variant in disease. Therefore, it has been classified as a Variant of Uncertain Significance.

Ambry Genetics
Classification: Uncertain significance for Inborn genetic diseases. Last evaluated: 2024-05-08. Review status: criteria provided, single submitter. Criteria: Ambry Variant Classification Scheme 2023. Collection method: clinical testing. Allele origin: germline.

Laboratorio de Genetica e Diagnostico Molecular, Hospital Israelita Albert Einstein
Classification: Uncertain significance. Last evaluated: 2020-10-28. Review status: criteria provided, single submitter. Criteria: ACMG Guidelines, 2015. Collection method: clinical testing. Allele origin: germline. Affected: yes.
Comment: ACMG classification criteria: BP4

Breakthrough Genomics
Classification: Uncertain significance. Review status: criteria provided, single submitter. Criteria: ACMG Guidelines, 2015. Collection method: not provided. Allele origin: germline. Inheritance: Autosomal recessive inheritance. Affected: yes.